The following is an entry in ClinVar:

NM_020778.5(ALPK3):c.3967G>A (p.Ala1323Thr)

Gene: ALPK3 (alpha kinase 3; plus strand). Cytogenetic location: 15q25.3.
Variant type: single nucleotide variant.
Coding change: c.3967G>A on transcript NM_020778.5 (MANE Select); coding-DNA position 3967, G replaced by A.
Protein change: p.Ala1323Thr; replaces alanine 1323 with threonine.
Molecular consequence: missense variant.
Genome position (GRCh38, 1-based): chr15:84,859,777, G>A. VCF-style: chr15-84859777-G-A. GRCh37 (hg19) VCF-style: chr15-85403008-G-A.
Other names: c.4573G>A (NM_020778.4); short protein forms A1323T.
Identifiers: ClinVar variation 4760516 (VCV004760516.2).
Genomic context (GRCh38, chr15:84,859,777, plus strand): 5'-TTAGGACCACAGTCTGCCCCCATGCCATGGCCCTCACGAGTAGGGTCTCCACTCTGCAGC[G>A]CAGGGGATGAGGGGCCGGCGGCCTTGGCCATCGTGCAGGCCTCCCCCGTAGACTGCGGTG-3'
Protein context (NP_065829.4, residues 1313-1333): QRPVGEVGRS[Ala1323Thr]GDEGPAALAI

ClinVar aggregate classification (germline): Uncertain significance. Review status: criteria provided, multiple submitters, no conflicts (2 of 4 stars). 2 submissions from 2 submitters: Uncertain significance (2). Last evaluated 2025-12-31.

Conditions:
ALPK3-related disorder. Also called: ALPK3-related condition.

gnomAD v4.1: 16 of 1,611,260 alleles (0.00099%); highest among the groups gnomAD compares: African/African-American, 0.0027%; no homozygotes.

Submissions (2):

PreventionGenetics, part of Exact Sciences
Classification: Uncertain significance for ALPK3-related condition. Last evaluated: 2025-12-31. Review status: criteria provided, single submitter. Criteria: ACMG Guidelines, 2015. Collection method: clinical testing. Allele origin: germline.
Comment: The ALPK3 c.4573G>A variant is predicted to result in the amino acid substitution p.Ala1525Thr. This variant has been reported in the heterozygous state as a variant of uncertain significance in two siblings with hypertrophic cardiomyopathy (described as p.Ala1323Thr in Table S1, Chumakova et al. 2023. PubMed ID: 38002985). This variant is reported in 0.0041% of alleles in individuals of African descent in gnomAD. At this time, the clinical significance of this variant is uncertain due to the absence of conclusive functional and genetic evidence.

Labcorp Genetics (formerly Invitae), Labcorp
Classification: Uncertain significance. Last evaluated: 2025-12-09. Review status: criteria provided, single submitter. Criteria: Invitae Variant Classification Sherloc (09022015). Collection method: clinical testing. Allele origin: germline.
Comment: This sequence change replaces alanine, which is neutral and non-polar, with threonine, which is neutral and polar, at codon 1525 of the ALPK3 protein (p.Ala1525Thr). The frequency data for this variant in the population databases is considered unreliable, as metrics indicate poor data quality at this position in the gnomAD database. This missense change has been observed in individual(s) with hypertrophic cardiomyopathy (PMID: 38002985). An algorithm developed to predict the effect of missense changes on protein structure and function (PolyPhen-2) suggests that this variant is likely to be disruptive. In summary, the available evidence is currently insufficient to determine the role of this variant in disease. Therefore, it has been classified as a Variant of Uncertain Significance.

Literature cited by the submitters: PubMed 38002985 (cited by Labcorp Genetics (formerly Invitae), Labcorp).